The following is an entry in ClinVar:

ClinVar aggregate classification (germline): Uncertain significance. Review status: criteria provided, multiple submitters, no conflicts (2 of 4 stars). 3 submissions from 3 submitters: Uncertain significance (3). Last evaluated 2026-08-03.

Conditions:
Inborn genetic diseases. Identifiers: MedGen C0950123, MeSH D030342.
Charcot-Marie-Tooth disease dominant intermediate B (CMTDIB). Also called: Charcot-Marie-Tooth disease dominant intermediate 1; CMT DI1; Charcot-Marie-Tooth disease dominant intermediate I; CHARCOT-MARIE-TOOTH NEUROPATHY, DOMINANT INTERMEDIATE B. Identifiers: Orphanet 100044, Orphanet 228179, MedGen C1847902, MONDO:0011674, OMIM 606482.

Allele frequency attached by ClinVar (database versions not stated): gnomAD exomes below 0.00001.
gnomAD v4.1: 1 of 1,614,174 alleles (0.000062%); highest among the groups gnomAD compares: Non-Finnish European, 0.000085%; no homozygotes.

Submissions (3):

Ambry Genetics
Classification: Uncertain significance for Inborn genetic diseases. Last evaluated: 2026-08-03. Review status: criteria provided, single submitter. Criteria: Ambry Variant Classification Scheme 2023. Collection method: clinical testing. Allele origin: germline.

Athena Diagnostics
Classification: Uncertain significance. Last evaluated: 2024-06-19. Review status: criteria provided, single submitter. Criteria: Athena Diagnostics Criteria. Collection method: clinical testing. Allele origin: unknown.
Comment: Available data are insufficient to determine the clinical significance of the variant at this time. This variant has not been reported in large, multi-ethnic general populations. This variant has been seen where an alternate explanation for disease was also identified, suggesting this variant may not cause disease. Polyphen and MutationTaster predict this amino acid change may be benign.

Labcorp Genetics (formerly Invitae), Labcorp
Classification: Uncertain significance for Charcot-Marie-Tooth disease dominant intermediate B. Last evaluated: 2023-07-28. Review status: criteria provided, single submitter. Criteria: Invitae Variant Classification Sherloc (09022015). Collection method: clinical testing. Allele origin: germline.
Comment: In summary, the available evidence is currently insufficient to determine the role of this variant in disease. Therefore, it has been classified as a Variant of Uncertain Significance. Advanced modeling of protein sequence and biophysical properties (such as structural, functional, and spatial information, amino acid conservation, physicochemical variation, residue mobility, and thermodynamic stability) has been performed at Invitae for this missense variant, however the output from this modeling did not meet the statistical confidence thresholds required to predict the impact of this variant on DNM2 protein function. ClinVar contains an entry for this variant (Variation ID: 585791). This variant has not been reported in the literature in individuals affected with DNM2-related conditions. This variant is not present in population databases (gnomAD no frequency). This sequence change replaces leucine, which is neutral and non-polar, with isoleucine, which is neutral and non-polar, at codon 476 of the DNM2 protein (p.Leu476Ile).

NM_001005361.3(DNM2):c.1426C>A (p.Leu476Ile)

Gene: DNM2 (dynamin 2; plus strand). Cytogenetic location: 19p13.2.
Variant type: single nucleotide variant.
Coding change: c.1426C>A on transcript NM_001005361.3 (MANE Select); coding-DNA position 1426, C replaced by A.
Protein change: p.Leu476Ile; replaces leucine 476 with isoleucine.
Molecular consequence: missense variant.
Genome position (GRCh38, 1-based): chr19:10,802,291, C>A. VCF-style: chr19-10802291-C-A. GRCh37 (hg19) VCF-style: chr19-10912967-C-A.
Other names: c.1426C>A, p.Leu476Ile (NM_001005360.3, NM_001005362.3, NM_001190716.2 and 1 more transcripts); short protein forms L476I.
Identifiers: ClinVar variation 585791 (VCV000585791.6), dbSNP rs1568309121, ClinGen allele CA404049707.